The following is an entry in ClinVar:

ClinVar aggregate classification (germline): Uncertain significance (1 of 4 stars; one submission).

Conditions:
Hereditary cancer-predisposing syndrome. Also called: Tumor predisposition; Hereditary neoplastic syndrome; Hereditary Cancer Syndrome; Neoplastic Syndromes, Hereditary. Identifiers: Orphanet 140162, MedGen C0027672, MeSH D009386, MONDO:0015356.

Submission:

Color Diagnostics, LLC DBA Color Health
Classification: Uncertain significance for Hereditary cancer-predisposing syndrome. Last evaluated: 2024-03-07. Review status: criteria provided, single submitter. Criteria: ACMG Guidelines, 2015. Collection method: clinical testing. Allele origin: germline.
Comment: This missense variant replaces glycine with serine at codon 403 of the BMPR1A protein. Computational prediction suggests that this variant may have deleterious impact on protein structure and function (internally defined REVEL score threshold >= 0.7, PMID: 27666373). To our knowledge, functional studies have not been reported for this variant. This variant has not been reported in individuals affected with hereditary cancer in the literature. This variant has not been identified in the general population by the Genome Aggregation Database (gnomAD). The available evidence is insufficient to determine the role of this variant in disease conclusively. Therefore, this variant is classified as a Variant of Uncertain Significance.

NM_004329.3(BMPR1A):c.1207G>A (p.Gly403Ser)

Gene: BMPR1A (bone morphogenetic protein receptor type 1A; plus strand). Cytogenetic location: 10q23.2.
Variant type: single nucleotide variant.
Coding change: c.1207G>A on transcript NM_004329.3 (MANE Select); coding-DNA position 1207, G replaced by A.
Protein change: p.Gly403Ser; replaces glycine 403 with serine.
Molecular consequence: missense variant.
Genome position (GRCh38, 1-based): chr10:86,921,560, G>A. VCF-style: chr10-86921560-G-A. GRCh37 (hg19) VCF-style: chr10-88681317-G-A.
Other names: short protein forms G403S.
Identifiers: ClinVar variation 1172103 (VCV001172103.3), dbSNP rs2133606331, ClinGen allele CA377461953.